The following is an entry in ClinVar:

ClinVar aggregate classification (germline): Uncertain significance (1 of 4 stars; one submission).

Submission:

Laboratory for Molecular Medicine, Mass General Brigham Personalized Medicine
Classification: Uncertain significance. Last evaluated: 2017-03-11. Review status: criteria provided, single submitter. Criteria: LMM Criteria. Collection method: clinical testing. Allele origin: germline. Observed: 1 variant allele.
Comment: The p.Pro458Leu variant in CDH23 has not been previously reported in individuals with hearing loss and was absent from large population studies. Computational p rediction tools and conservation analysis suggest that the p.Pro458Leu variant m ay impact the protein, though this information is not predictive enough to deter mine pathogenicity. In summary, the clinical significance of the p.Pro458Leu var iant is uncertain.

NM_022124.6(CDH23):c.1373C>T (p.Pro458Leu)

Gene: CDH23 (cadherin related 23; plus strand). Cytogenetic location: 10q22.1.
Variant type: single nucleotide variant.
Coding change: c.1373C>T on transcript NM_022124.6 (MANE Select); coding-DNA position 1373, C replaced by T.
Protein change: p.Pro458Leu; replaces proline 458 with leucine.
Molecular consequence: missense variant.
Genome position (GRCh38, 1-based): chr10:71,646,541, C>T. VCF-style: chr10-71646541-C-T. GRCh37 (hg19) VCF-style: chr10-73406298-C-T.
Other names: c.1373C>T, p.Pro458Leu (NM_001171930.2, NM_001171931.2, NM_052836.4); short protein forms P458L.
Identifiers: ClinVar variation 517256 (VCV000517256.4), dbSNP rs1554850744, ClinGen allele CA377128075.